The following is an entry in ClinVar:

ClinVar aggregate classification (germline): Uncertain significance. Review status: criteria provided, multiple submitters, no conflicts (2 of 4 stars). 2 submissions from 2 submitters: Uncertain significance (2). Last evaluated 2026-02-01.

Conditions:
Generalized epilepsy-paroxysmal dyskinesia syndrome (PNKD3). Also called: Generalized epilepsy and paroxysmal dyskinesia; Paroxysmal nonkinesigenic dyskinesia, 3, with or without generalized epilepsy. Identifiers: Orphanet 79137, MedGen C5574945, MONDO:0012276, OMIM 609446.

Allele frequency attached by ClinVar (database versions not stated): TOPMed 0.00001.

Submissions (2):

Labcorp Genetics (formerly Invitae), Labcorp
Classification: Uncertain significance for Generalized epilepsy-paroxysmal dyskinesia syndrome. Last evaluated: 2026-02-01. Review status: criteria provided, single submitter. Criteria: Invitae Variant Classification Sherloc (09022015). Collection method: clinical testing. Allele origin: germline.
Comment: This sequence change replaces alanine, which is neutral and non-polar, with serine, which is neutral and polar, at codon 31 of the KCNMA1 protein (p.Ala31Ser). This variant is not present in population databases (gnomAD no frequency). This variant has not been reported in the literature in individuals affected with KCNMA1-related conditions. ClinVar contains an entry for this variant (Variation ID: 945912). An algorithm developed to predict the effect of missense changes on protein structure and function (PolyPhen-2) suggests that this variant is likely to be disruptive. In summary, the available evidence is currently insufficient to determine the role of this variant in disease. Therefore, it has been classified as a Variant of Uncertain Significance.

Blueprint Genetics
Classification: Uncertain significance. Last evaluated: 2022-04-28. Review status: criteria provided, single submitter. Criteria: ACMG Guidelines, 2015. Collection method: clinical testing. Allele origin: germline.

NM_001161352.2(KCNMA1):c.91G>T (p.Ala31Ser)

Gene: KCNMA1 (potassium calcium-activated channel subfamily M alpha 1; minus strand). Cytogenetic location: 10q22.3.
Variant type: single nucleotide variant.
Coding change: c.91G>T on transcript NM_001161352.2 (MANE Select); coding-DNA position 91, G replaced by T.
Protein change: p.Ala31Ser; replaces alanine 31 with serine.
Molecular consequence: missense variant.
Genome position (GRCh38, 1-based): chr10:77,637,552, C>A on the plus strand (G>T on the coding strand, the complement: KCNMA1 is on the minus strand). VCF-style: chr10-77637552-C-A. GRCh37 (hg19) VCF-style: chr10-79397310-C-A.
Other names: c.91G>T, p.Ala31Ser (NM_001014797.3, NM_001161353.2, NM_001271518.2 and 12 more transcripts); short protein forms A31S.
Identifiers: ClinVar variation 945912 (VCV000945912.11), dbSNP rs1343575385, ClinGen allele CA377412779.
Genomic context (GRCh38, chr10:77,637,552, plus strand): 5'-AAGAAGAAGAGGAAGAGGAGGAGGAGGAGGAGGAGGACGCGTCTAGGCTGAGATGGTTCG[C>A]GTGGATATTGCTACTCATTCTAAGACTGCTGCCTCCGCCGCCGCCGCCGCCGCCGCTGCT-3'
Protein context (NP_001154824.1, residues 21-41): SSLRMSSNIH[Ala31Ser]NHLSLDASSS